The following is an entry in ClinVar:

NM_000195.5(HPS1):c.221C>T (p.Thr74Met)

Gene: HPS1 (HPS1 biogenesis of lysosomal organelles complex 3 subunit 1; minus strand). Cytogenetic location: 10q24.2.
Variant type: single nucleotide variant.
Coding change: c.221C>T on transcript NM_000195.5 (MANE Select); coding-DNA position 221, C replaced by T.
Protein change: p.Thr74Met; replaces threonine 74 with methionine.
Molecular consequence: missense variant. On other transcripts: 5 prime UTR variant (6).
Genome position (GRCh38, 1-based): chr10:98,435,669, G>A on the plus strand (C>T on the coding strand, the complement: HPS1 is on the minus strand). VCF-style: chr10-98435669-G-A. GRCh37 (hg19) VCF-style: chr10-100195426-G-A.
Other names: c.-696C>T (NM_001311345.2); c.221C>T, p.Thr74Met (NM_001322476.2, NM_001322477.2, NM_001322478.2 and 8 more transcripts); c.-6C>T (NM_001322483.2, NM_001322484.2, NM_001322485.2); c.-795C>T (NM_001322487.2); c.-553C>T (NM_001322489.2); short protein forms T74M.
Identifiers: ClinVar variation 2147450 (VCV002147450.2), dbSNP rs544468439, ClinGen allele CA5639474.
Genomic context (GRCh38, chr10:98,435,669, plus strand): 5'-CATGGGCCCCAGAGCTATAGACTCACCAGGTGAAGGACATACAGGAAGTTGCCATTTTCC[G>A]TGGAGAAGCAGGTGTAGGTGTCCGAGAGCTTCTCCAGCATCGTCATGGAGGAGATGATGA-3'
Protein context (NP_000186.2, residues 64-84): KLSDTYTCFS[Thr74Met]ENGNFLYVLH

ClinVar aggregate classification (germline): Uncertain significance. Review status: criteria provided, multiple submitters, no conflicts (2 of 4 stars). 2 submissions from 2 submitters: Uncertain significance (2). Last evaluated 2024-05-20.

Conditions:
Hermansky-Pudlak syndrome 1 (HPS1). Also called: DELTA STORAGE POOL DISEASE. Identifiers: Orphanet 231500, Orphanet 79430, MedGen C2931875, MONDO:0008748, OMIM 203300.

Allele frequency attached by ClinVar (database versions not stated): gnomAD exomes 0.00001; ExAC 0.00002; TOPMed 0.00003; gnomAD 0.00004; 1000 Genomes Project 30x 0.00016; 1000 Genomes Project 0.00020.
gnomAD v4.1: 29 of 1,614,178 alleles (0.0018%); highest among the groups gnomAD compares: South Asian, 0.0088%; no homozygotes.

Submissions (2):

Fulgent Genetics
Classification: Uncertain significance for Hermansky-Pudlak syndrome 1. Last evaluated: 2024-05-20. Review status: criteria provided, single submitter. Criteria: ACMG Guidelines, 2015. Collection method: clinical testing. Allele origin: germline.

Labcorp Genetics (formerly Invitae), Labcorp
Classification: Uncertain significance. Last evaluated: 2022-08-05. Review status: criteria provided, single submitter. Criteria: Invitae Variant Classification Sherloc (09022015). Collection method: clinical testing. Allele origin: germline.
Comment: This sequence change replaces threonine, which is neutral and polar, with methionine, which is neutral and non-polar, at codon 74 of the HPS1 protein (p.Thr74Met). This variant is present in population databases (rs544468439, gnomAD 0.003%). This variant has not been reported in the literature in individuals affected with HPS1-related conditions. Algorithms developed to predict the effect of missense changes on protein structure and function are either unavailable or do not agree on the potential impact of this missense change (SIFT: "Deleterious"; PolyPhen-2: "Possibly Damaging"; Align-GVGD: "Class C0"). In summary, the available evidence is currently insufficient to determine the role of this variant in disease. Therefore, it has been classified as a Variant of Uncertain Significance.